The following is an entry in ClinVar:

ClinVar aggregate classification (germline): Uncertain significance (1 of 4 stars; one submission).

Conditions:
Familial cold autoinflammatory syndrome 2 (FCAS2). Identifiers: Orphanet 247868, MedGen C2673198, MONDO:0012724, OMIM 611762.

Submission:

Labcorp Genetics (formerly Invitae), Labcorp
Classification: Uncertain significance for Familial cold autoinflammatory syndrome 2. Last evaluated: 2020-03-18. Review status: criteria provided, single submitter. Criteria: Invitae Variant Classification Sherloc (09022015). Collection method: clinical testing. Allele origin: germline.
Comment: This sequence change replaces isoleucine with valine at codon 221 of the NLRP12 protein (p.Ile221Val). The isoleucine residue is weakly conserved and there is a small physicochemical difference between isoleucine and valine. This variant is not present in population databases (ExAC no frequency). This variant has not been reported in the literature in individuals with NLRP12-related conditions. Algorithms developed to predict the effect of missense changes on protein structure and function (SIFT, PolyPhen-2, Align-GVGD) all suggest that this variant is likely to be tolerated, but these predictions have not been confirmed by published functional studies and their clinical significance is uncertain. Algorithms developed to predict the effect of sequence changes on RNA splicing suggest that this variant may create or strengthen a splice site, but this prediction has not been confirmed by published transcriptional studies. In summary, the available evidence is currently insufficient to determine the role of this variant in disease. Therefore, it has been classified as a Variant of Uncertain Significance.

NM_144687.4(NLRP12):c.661A>G (p.Ile221Val)

Gene: NLRP12 (NLR family pyrin domain containing 12; minus strand). Cytogenetic location: 19q13.42.
Variant type: single nucleotide variant.
Coding change: c.661A>G on transcript NM_144687.4 (MANE Select); coding-DNA position 661, A replaced by G.
Protein change: p.Ile221Val; replaces isoleucine 221 with valine.
Molecular consequence: missense variant.
Genome position (GRCh38, 1-based): chr19:53,810,998, T>C on the plus strand (A>G on the coding strand, the complement: NLRP12 is on the minus strand). VCF-style: chr19-53810998-T-C. GRCh37 (hg19) VCF-style: chr19-54314252-T-C.
Other names: c.661A>G, p.Ile221Val (NM_001277126.2, NM_001277129.1); short protein forms I221V.
Identifiers: ClinVar variation 1046903 (VCV001046903.8), dbSNP rs1288515851, ClinGen allele CA407416120.